The following is an entry in ClinVar:

NM_016239.4(MYO15A):c.773A>C (p.Glu258Ala)

Gene: MYO15A (myosin XVA; plus strand). Cytogenetic location: 17p11.2.
Variant type: single nucleotide variant.
Coding change: c.773A>C on transcript NM_016239.4 (MANE Select); coding-DNA position 773, A replaced by C.
Protein change: p.Glu258Ala; replaces glutamic acid 258 with alanine.
Molecular consequence: missense variant.
Genome position (GRCh38, 1-based): chr17:18,119,573, A>C. VCF-style: chr17-18119573-A-C. GRCh37 (hg19) VCF-style: chr17-18022887-A-C.
Other names: c.773A>C (NM_016239.3); short protein forms E258A.
Identifiers: ClinVar variation 1675660 (VCV001675660.34), dbSNP rs368814566, ClinGen allele CA288386104.
Genomic context (GRCh38, chr17:18,119,573, plus strand): 5'-ATCACCGCGACGGCGACGACTACTACGACCGGCAGTCACTCCACCGCTACGAGGAGCAGG[A>C]ACCCTACCTGGCGGGCCTCGGCCCCTACAGCCCGGCCTGGCCACCCTACGGCGACCACTA-3'
Protein context (NP_057323.3, residues 248-268): RQSLHRYEEQ[Glu258Ala]PYLAGLGPYS

ClinVar aggregate classification (germline): Uncertain significance. Review status: criteria provided, multiple submitters, no conflicts (2 of 4 stars). 3 submissions from 3 submitters: Uncertain significance (3). Last evaluated 2025-04-08.

Conditions:
Inborn genetic diseases. Identifiers: MedGen C0950123, MeSH D030342.
Autosomal recessive nonsyndromic hearing loss 3. Also called: NEUROSENSORY NONSYNDROMIC RECESSIVE DEAFNESS 3. Identifiers: Orphanet 90636, MedGen C1838263, MONDO:0010860, OMIM 600316.

Allele frequency attached by ClinVar (database versions not stated): gnomAD exomes 0.00001 and 0.00008; TOPMed 0.00002; gnomAD 0.00003; ESP Exome Variant Server 0.00008.
gnomAD v4.1: 113 of 1,606,090 alleles (0.007%); highest among the groups gnomAD compares: Non-Finnish European, 0.0096%; no homozygotes.

Submissions (3):

Ambry Genetics
Classification: Uncertain significance for Inborn genetic diseases. Last evaluated: 2025-04-08. Review status: criteria provided, single submitter. Criteria: Ambry Variant Classification Scheme 2023. Collection method: clinical testing. Allele origin: germline.

CeGaT Center for Human Genetics Tuebingen
Classification: Uncertain significance. Last evaluated: 2022-03-01. Review status: criteria provided, single submitter. Criteria: CeGaT Center For Human Genetics Tuebingen Variant Classification Criteria Version 2. Collection method: clinical testing. Allele origin: germline. Affected: yes. Observed: 1 variant allele.
Comment: MYO15A: PM2

Fulgent Genetics
Classification: Uncertain significance for Autosomal recessive nonsyndromic hearing loss 3. Last evaluated: 2022-01-11. Review status: criteria provided, single submitter. Criteria: ACMG Guidelines, 2015. Collection method: clinical testing. Allele origin: unknown.